The following is an entry in ClinVar:

NM_004183.4(BEST1):c.905A>T (p.Asp302Val)

Gene: BEST1 (bestrophin 1; plus strand). Cytogenetic location: 11q12.3.
Variant type: single nucleotide variant.
Coding change: c.905A>T on transcript NM_004183.4 (MANE Select); coding-DNA position 905, A replaced by T.
Protein change: p.Asp302Val; replaces aspartic acid 302 with valine.
Molecular consequence: missense variant. On other transcripts: non-coding transcript variant (1), intron variant (1).
Genome position (GRCh38, 1-based): chr11:61,959,535, A>T. VCF-style: chr11-61959535-A-T. GRCh37 (hg19) VCF-style: chr11-61727007-A-T.
Other names: c.725A>T, p.Asp242Val (NM_001139443.3, NM_001300787.2); c.587A>T, p.Asp196Val (NM_001363591.3); c.1108A>T, p.Met370Leu (NM_001363592.2); c.-68A>T (NM_001363593.3); c.688-357A>T (NM_001300786.2); short protein forms D302V, M370L, D196V, D242V.
Identifiers: ClinVar variation 99776 (VCV000099776.9), dbSNP rs281865263, ClinGen allele CA227848.

ClinVar aggregate classification (germline): Pathogenic. Review status: criteria provided, single submitter (1 of 4 stars). 3 submissions from 3 submitters: Pathogenic (1). 2 of the submissions do not count toward it. Last evaluated 2025-08-18.

Conditions:
BEST1-related disorder. Also called: BEST1-related disorders; BEST1-related condition. Identifiers: MedGen CN239200.

Submissions (3):

Labcorp Genetics (formerly Invitae), Labcorp
Classification: Pathogenic. Last evaluated: 2025-08-18. Review status: criteria provided, single submitter. Criteria: Invitae Variant Classification Sherloc (09022015). Collection method: clinical testing. Allele origin: germline.
Comment: This sequence change replaces aspartic acid, which is acidic and polar, with valine, which is neutral and non-polar, at codon 302 of the BEST1 protein (p.Asp302Val). This variant is not present in population databases (gnomAD no frequency). This missense change has been observed in individuals with clinical features of autosomal dominant BEST1-related conditions (PMID: 10798642; internal data). ClinVar contains an entry for this variant (Variation ID: 99776). Invitae Evidence Modeling of protein sequence and biophysical properties (such as structural, functional, and spatial information, amino acid conservation, physicochemical variation, residue mobility, and thermodynamic stability) indicates that this missense variant is expected to disrupt BEST1 protein function with a positive predictive value of 95%. This variant disrupts the p.Asp302 amino acid residue in BEST1. Other variant(s) that disrupt this residue have been determined to be pathogenic (PMID: 21269699, 28559085). This suggests that this residue is clinically significant, and that variants that disrupt this residue are likely to be disease-causing. For these reasons, this variant has been classified as Pathogenic.

PreventionGenetics, part of Exact Sciences
Classification: Likely pathogenic for BEST1-related condition. Last evaluated: 2024-05-28. Review status: no assertion criteria provided. Collection method: clinical testing. Allele origin: germline. Not counted in ClinVar's aggregate classification.
Comment: The BEST1 c.905A>T variant is predicted to result in the amino acid substitution p.Asp302Val. This variant has been reported in an individual with Best macular dystrophy (Lotery et al. 2000. PubMed ID: 10798642). This variant has not been reported in a large population database, indicating it is rare. Other nucleotide changes affecting the same amino acid (p.Asp302Ala, p.Asp302Asn, p.Asp302His, p.Asp302Gly) have also been reported in individuals with Best macular dystrophy (Chung et al. 2001. PubMed ID: 11756879; Bitner et al. 2012. PubMed ID: 22633354; Marchant et al. 2002. PubMed ID: 12324875; Lotery et al. 2000. PubMed ID: 10798642). This variant is interpreted as likely pathogenic.

Retina International
No classification provided. Review status: no classification provided. Collection method: not provided. Allele origin: not provided. Not counted in ClinVar's aggregate classification.

Literature cited by the submitters: PubMed 10798642 (cited by Labcorp Genetics (formerly Invitae), Labcorp); PubMed 21269699 (cited by Labcorp Genetics (formerly Invitae), Labcorp); PubMed 28559085 (cited by Labcorp Genetics (formerly Invitae), Labcorp).